The following is an entry in ClinVar:

NM_139343.3(BIN1):c.384G>A (p.Thr128=)

Gene: BIN1 (bridging integrator 1; minus strand). Cytogenetic location: 2q14.3.
Variant type: single nucleotide variant.
Coding change: c.384G>A on transcript NM_139343.3 (MANE Select); coding-DNA position 384, G replaced by A.
Protein change: p.Thr128=; no amino-acid change (threonine 128 retained).
Molecular consequence: synonymous variant.
Genome position (GRCh38, 1-based): chr2:127,070,022, C>T on the plus strand (G>A on the coding strand, the complement: BIN1 is on the minus strand). VCF-style: chr2-127070022-C-T. GRCh37 (hg19) VCF-style: chr2-127827598-C-T.
Other names: c.384G>A, p.Thr128= (NM_001320632.2, NM_001320633.2, NM_001320640.2 and 10 more transcripts); c.312G>A, p.Thr104= (NM_001320634.1); c.303G>A, p.Thr101= (NM_001320642.1).
Identifiers: ClinVar variation 331055 (VCV000331055.19), dbSNP rs61748158, ClinGen allele CA1857497.
Genomic context (GRCh38, chr2:127,070,022, plus strand): 5'-AGAGCAGGGCAGATCTGCAAGTGGGTCTCTCACCTTGATGTCGGGGAACTGGCCCAGGTA[C>T]GTGTCCATGGTCAGCAGCGCCTGGTCCACCAGCTTCTGGTGGTAATCCATCCACAGCAGG-3'
Protein context (NP_647593.1, residues 118-138): LVDQALLTMD[Thr128=]YLGQFPDIKS

ClinVar aggregate classification (germline): Conflicting classifications of pathogenicity. Review status: criteria provided, conflicting classifications (1 of 4 stars). 4 submissions from 4 submitters: Uncertain significance (1); Benign (1); Likely benign (2). Last evaluated 2026-01-24.

Conditions:
Myopathy, centronuclear, 2 (CNM2). Also called: MYOTUBULAR MYOPATHY, AUTOSOMAL RECESSIVE. Identifiers: Orphanet 169186, MedGen CN031787, MONDO:0009709, OMIM 255200.

Allele frequency attached by ClinVar (database versions not stated): gnomAD exomes 0.00023 and 0.00060; ExAC 0.00072; ESP Exome Variant Server 0.00185; gnomAD 0.00195 and 0.00203; TOPMed 0.00215; 1000 Genomes Project 0.00359; 1000 Genomes Project 30x 0.00406.
gnomAD v4.1: 648 of 1,614,128 alleles (0.04%); highest among the groups gnomAD compares: African/African-American, 0.66%; 1 homozygote.

Submissions (4):

Labcorp Genetics (formerly Invitae), Labcorp
Classification: Benign for Myopathy, centronuclear, 2. Last evaluated: 2026-01-24. Review status: criteria provided, single submitter. Criteria: Invitae Variant Classification Sherloc (09022015). Collection method: clinical testing. Allele origin: germline.

Blueprint Genetics
Classification: Likely benign. Last evaluated: 2024-11-25. Review status: criteria provided, single submitter. Criteria: ACMG Guidelines, 2015. Collection method: clinical testing. Allele origin: germline.

Illumina Laboratory Services, Illumina
Classification: Uncertain significance for Myopathy, centronuclear, 2. Last evaluated: 2018-01-12. Review status: criteria provided, single submitter. Criteria: ICSL Variant Classification Criteria 13 December 2019. Collection method: clinical testing. Allele origin: germline.

GeneDx
Classification: Likely benign. Last evaluated: 2017-04-17. Review status: criteria provided, single submitter. Criteria: GeneDx Variant Classification (06012015). Collection method: clinical testing. Allele origin: germline. Affected: yes.
Comment: This variant is considered likely benign or benign based on one or more of the following criteria: it is a conservative change, it occurs at a poorly conserved position in the protein, it is predicted to be benign by multiple in silico algorithms, and/or has population frequency not consistent with disease.